The following is an entry in ClinVar:

ClinVar aggregate classification (germline): Likely benign. Review status: criteria provided, multiple submitters, no conflicts (2 of 4 stars). 2 submissions from 2 submitters: Likely benign (2). Last evaluated 2024-04-16.

Conditions:
Familial thoracic aortic aneurysm and aortic dissection (TAAD). Also called: Thoracic aortic aneurysms and dissections. Identifiers: Orphanet 91387, MedGen C4707243, MONDO:0019625.
Aortic aneurysm, familial thoracic 4 (AAT4). Also called: AORTIC ANEURYSM/AORTIC DISSECTION AND PATENT DUCTUS ARTERIOSUS. Identifiers: MedGen C1851504, MONDO:0007568, OMIM 132900.

Submissions (2):

All of Us Research Program, National Institutes of Health
Classification: Likely benign for Familial thoracic aortic aneurysm and aortic dissection. Last evaluated: 2024-04-16. Review status: criteria provided, single submitter. Criteria: ACMG Guidelines, 2015. Collection method: clinical testing. Allele origin: germline. Inheritance: Autosomal dominant inheritance. Observed: 1 variant allele, 1 heterozygote.
Comment: This study involves interpretation of variants in research participants for the purpose of population health screening. Participant phenotype was not available at the time of variant classification. Additional details can be found in publication PMID: 35346344, PMCID: PMC8962531

Labcorp Genetics (formerly Invitae), Labcorp
Classification: Likely benign for Aortic aneurysm, familial thoracic 4. Last evaluated: 2022-01-31. Review status: criteria provided, single submitter. Criteria: Invitae Variant Classification Sherloc (09022015). Collection method: clinical testing. Allele origin: germline.

NM_002474.3(MYH11):c.1560G>A (p.Glu520=)

Gene: MYH11 (myosin heavy chain 11; minus strand). Cytogenetic location: 16p13.11.
Variant type: single nucleotide variant.
Coding change: c.1560G>A on transcript NM_002474.3 (MANE Select); coding-DNA position 1560, G replaced by A.
Protein change: p.Glu520=; no amino-acid change (glutamic acid 520 retained).
Molecular consequence: synonymous variant.
Genome position (GRCh38, 1-based): chr16:15,757,842, C>T on the plus strand (G>A on the coding strand, the complement: MYH11 is on the minus strand). VCF-style: chr16-15757842-C-T. GRCh37 (hg19) VCF-style: chr16-15851699-C-T.
Other names: c.1581G>A, p.Glu527= (NM_001040113.2, NM_001040114.2); c.1560G>A, p.Glu520= (NM_022844.3).
Identifiers: ClinVar variation 2420021 (VCV002420021.8), dbSNP rs2506378834, ClinGen allele CA493793524.